The following is an entry in ClinVar:

ClinVar aggregate classification (germline): Benign/Likely benign. Review status: criteria provided, multiple submitters, no conflicts (2 of 4 stars). 6 submissions from 6 submitters: Benign (1); Likely benign (4). 1 of the submissions does not count toward it. Last evaluated 2025-07-27.

Conditions:
Hereditary cancer-predisposing syndrome. Also called: Neoplastic Syndromes, Hereditary; Hereditary neoplastic syndrome; Tumor predisposition; Hereditary Cancer Syndrome. Identifiers: Orphanet 140162, MedGen C0027672, MeSH D009386, MONDO:0015356.
Breast-ovarian cancer, familial, susceptibility to, 3. Also called: RAD51C-Related Breast/Ovarian Cancer. Identifiers: Orphanet 145, MedGen C3150659, MONDO:0013253, OMIM 613399.
RAD51C-related disorder. Also called: RAD51C-related disorders; RAD51C-related condition.
Fanconi anemia complementation group O. Also called: RAD51C-Related Fanconi Anemia. Identifiers: Orphanet 84, MedGen C3150653, MONDO:0013248, OMIM 613390.

Allele frequency attached by ClinVar (database versions not stated): gnomAD exomes below 0.00001.
gnomAD v4.1: 1 of 1,614,052 alleles (0.000062%); highest among the groups gnomAD compares: Non-Finnish European, 0.000085%; no homozygotes.

Submissions (6):

Labcorp Genetics (formerly Invitae), Labcorp
Classification: Likely benign for Fanconi anemia complementation group O. Last evaluated: 2025-07-27. Review status: criteria provided, single submitter. Criteria: Invitae Variant Classification Sherloc (09022015). Collection method: clinical testing. Allele origin: germline.

Myriad Genetics, Inc.
Classification: Benign for Breast-ovarian cancer, familial, susceptibility to, 3. Last evaluated: 2025-02-14. Review status: criteria provided, single submitter. Criteria: Myriad Autosomal Dominant, Autosomal Recessive and X-Linked Classification Criteria (2023). Collection method: clinical testing. Allele origin: unknown.
Comment: This variant is considered benign. This variant is a silent/synonymous amino acid change and it is not expected to impact splicing.

Quest Diagnostics Nichols Institute San Juan Capistrano
Classification: Likely benign. Last evaluated: 2025-01-10. Review status: criteria provided, single submitter. Criteria: Quest Diagnostics criteria. Collection method: clinical testing. Allele origin: unknown.

Ambry Genetics
Classification: Likely benign for Hereditary cancer-predisposing syndrome. Last evaluated: 2018-03-14. Review status: criteria provided, single submitter. Criteria: Ambry Variant Classification Scheme 2023. Collection method: clinical testing. Allele origin: germline.

GeneDx
Classification: Likely benign. Last evaluated: 2016-10-10. Review status: criteria provided, single submitter. Criteria: GeneDx Variant Classification (06012015). Collection method: clinical testing. Allele origin: germline. Affected: yes.
Comment: This variant is considered likely benign or benign based on one or more of the following criteria: it is a conservative change, it occurs at a poorly conserved position in the protein, it is predicted to be benign by multiple in silico algorithms, and/or has population frequency not consistent with disease.

PreventionGenetics, part of Exact Sciences
Classification: Likely benign for RAD51C-related condition. Last evaluated: 2024-03-20. Review status: no assertion criteria provided. Collection method: clinical testing. Allele origin: germline. Not counted in ClinVar's aggregate classification.
Comment: This variant is classified as likely benign based on ACMG/AMP sequence variant interpretation guidelines (Richards et al. 2015 PMID: 25741868, with internal and published modifications).

NM_058216.3(RAD51C):c.207C>T (p.Leu69=)

Gene: RAD51C (RAD51 paralog C; plus strand). Cytogenetic location: 17q22.
Variant type: single nucleotide variant.
Coding change: c.207C>T on transcript NM_058216.3 (MANE Select); coding-DNA position 207, C replaced by T.
Protein change: p.Leu69=; no amino-acid change (leucine 69 retained).
Molecular consequence: synonymous variant. On other transcripts: non-coding transcript variant (2).
Genome position (GRCh38, 1-based): chr17:58,694,992, C>T. VCF-style: chr17-58694992-C-T. GRCh37 (hg19) VCF-style: chr17-56772353-C-T.
Other names: c.207C>T, p.Leu69= (NM_002876.4).
Identifiers: ClinVar variation 389916 (VCV000389916.18), dbSNP rs1057523582, ClinGen allele CA16607769.
Genomic context (GRCh38, chr17:58,694,992, plus strand): 5'-AGTTGGGATATCTAAAGCAGAAGCCTTAGAAACTCTGCAAATTATCAGAAGAGAATGTCT[C>T]ACAAATAAACCAAGATATGCTGGTACATCTGAGTCACACAAGAAGTGTACAGCACTGGAA-3'
Protein context (NP_478123.1, residues 59-79): ETLQIIRREC[Leu69=]TNKPRYAGTS